The following is an entry in ClinVar:

NM_000719.7(CACNA1C):c.5403del (p.Ile1802fs)

Genes: CACNA1C (calcium voltage-gated channel subunit alpha1 C; plus strand), CACNA1C-AS1 (CACNA1C antisense RNA 1; minus strand). Cytogenetic location: 12p13.33.
Variant type: Deletion.
Coding change: c.5403del on transcript NM_000719.7 (MANE Select); coding-DNA position 5403, one base deleted (C; older notation c.5403delC).
Protein change: p.Ile1802fs; shifts the reading frame from isoleucine 1802.
Molecular consequence: frameshift variant.
Genome position (GRCh38, 1-based): chr12:2,679,755, C deleted; the last of 2 consecutive C bases (chr12:2,679,754-2,679,755); deleting either gives the same sequence. VCF-style (leftmost placement, unchanged base first): chr12-2679753-GC-G. GRCh37 (hg19) VCF-style: chr12-2788919-GC-G.
Other names: c.5547del, p.Ile1850fs (NM_001129827.2, NM_199460.4); c.5526del, p.Ile1843fs (NM_001129829.2); c.5403del, p.Ile1802fs (NM_001129830.3, NM_001129840.2, NM_001129841.2 and 4 more transcripts); c.5487del, p.Ile1830fs (NM_001129831.2); c.5463del, p.Ile1822fs (NM_001129832.2); c.5460del, p.Ile1821fs (NM_001129833.2, NM_001129834.2, NM_001129835.2); c.5454del, p.Ile1819fs (NM_001129836.2); c.5427del, p.Ile1810fs (NM_001129837.2, NM_001129838.2); and 3 more; short protein forms I1799fs, I1802fs, I1810fs, I1850fs, I1791fs, I1819fs, I1821fs, I1822fs.
Identifiers: ClinVar variation 2251969 (VCV002251969.4), dbSNP rs2532557970, ClinGen allele CA2580085144.

ClinVar aggregate classification (germline): Pathogenic (1 of 4 stars; one submission).

Conditions:
Cardiovascular phenotype. Identifiers: MedGen CN230736.

Submission:

Ambry Genetics
Classification: Pathogenic for Cardiovascular phenotype. Last evaluated: 2024-08-29. Review status: criteria provided, single submitter. Criteria: Ambry Variant Classification Scheme 2023. Collection method: clinical testing. Allele origin: germline.
Comment: The c.5403delC pathogenic mutation, located in coding exon 42 of the CACNA1C gene, results from a deletion of one nucleotide at nucleotide position 5403, causing a translational frameshift with a predicted alternate stop codon (p.I1802Sfs*38). This variant is considered to be rare based on population cohorts in the Genome Aggregation Database (gnomAD). This alteration is expected to result in loss of function by premature protein truncation or nonsense-mediated mRNA decay. Based on the supporting evidence, this alteration is pathogenic for CACNA1C-related neurodevelopmental disorder; however, it is unlikely to be causative of CACNA1C-related long QT syndrome or Timothy syndrome.